The following is an entry in ClinVar:

ClinVar aggregate classification (germline): Uncertain significance (1 of 4 stars; one submission).

Allele frequency attached by ClinVar (database versions not stated): ExAC 0.00001; gnomAD exomes 0.00001; TOPMed 0.00001.
gnomAD v4.1: 11 of 1,614,054 alleles (0.00068%); highest among the groups gnomAD compares: Non-Finnish European, 0.00093%; no homozygotes.

Submission:

Labcorp Genetics (formerly Invitae), Labcorp
Classification: Uncertain significance. Last evaluated: 2025-11-08. Review status: criteria provided, single submitter. Criteria: Invitae Variant Classification Sherloc (09022015). Collection method: clinical testing. Allele origin: germline.
Comment: This sequence change replaces threonine, which is neutral and polar, with alanine, which is neutral and non-polar, at codon 858 of the PRPF6 protein (p.Thr858Ala). This variant is present in population databases (rs761637945, gnomAD 0.002%). This variant has not been reported in the literature in individuals affected with PRPF6-related conditions. ClinVar contains an entry for this variant (Variation ID: 1347829). Invitae Evidence Modeling of protein sequence and biophysical properties (such as structural, functional, and spatial information, amino acid conservation, physicochemical variation, residue mobility, and thermodynamic stability) indicates that this missense variant is not expected to disrupt PRPF6 protein function with a negative predictive value of 80%. In summary, the available evidence is currently insufficient to determine the role of this variant in disease. Therefore, it has been classified as a Variant of Uncertain Significance.

NM_012469.4(PRPF6):c.2572A>G (p.Thr858Ala)

Gene: PRPF6 (pre-mRNA processing factor 6; plus strand). Cytogenetic location: 20q13.33.
Variant type: single nucleotide variant.
Coding change: c.2572A>G on transcript NM_012469.4 (MANE Select); coding-DNA position 2572, A replaced by G.
Protein change: p.Thr858Ala; replaces threonine 858 with alanine.
Molecular consequence: missense variant.
Genome position (GRCh38, 1-based): chr20:64,031,943, A>G. VCF-style: chr20-64031943-A-G. GRCh37 (hg19) VCF-style: chr20-62663296-A-G.
Other names: short protein forms T858A.
Identifiers: ClinVar variation 1347829 (VCV001347829.8), dbSNP rs761637945, ClinGen allele CA9972530.